The following is an entry in ClinVar:

NM_002633.3(PGM1):c.125G>C (p.Ser42Thr)

Genes: PGM1 (phosphoglucomutase 1; plus strand), LOC129930668 (ATAC-STARR-seq lymphoblastoid active region 1127; plus strand). Cytogenetic location: 1p31.3.
Variant type: single nucleotide variant.
Coding change: c.125G>C on transcript NM_002633.3 (MANE Select); coding-DNA position 125, G replaced by C.
Protein change: p.Ser42Thr; replaces serine 42 with threonine.
Molecular consequence: missense variant.
Genome position (GRCh38, 1-based): chr1:63,593,613, G>C. VCF-style: chr1-63593613-G-C. GRCh37 (hg19) VCF-style: chr1-64059284-G-C.
Other names: short protein forms S42T.
Identifiers: ClinVar variation 3354471 (VCV003354471.1).
Genomic context (GRCh38, chr1:63,593,613, plus strand): 5'-TGCGGAAGCGGGTGAAGGTGTTCCAGAGCAGCGCCAACTACGCGGAGAACTTCATCCAGA[G>C]TATCATCTCCACCGTGGAGCCGGCGCAGCGGCAGGAGGCCACGCTGGTGGTGGGCGGGGA-3'
Protein context (NP_002624.2, residues 32-52): SANYAENFIQ[Ser42Thr]IISTVEPAQR

ClinVar aggregate classification (germline): Uncertain significance (0 of 4 stars; one submission).

Conditions:
PGM1-related disorder. Also called: PGM1-related condition; PGM1-related disorders.

gnomAD v4.1: 17 of 1,613,202 alleles (0.0011%); highest among the groups gnomAD compares: Non-Finnish European, 0.0014%; no homozygotes.

Submission:

PreventionGenetics, part of Exact Sciences
Classification: Uncertain significance for PGM1-related condition. Last evaluated: 2024-03-18. Review status: no assertion criteria provided. Collection method: clinical testing. Allele origin: germline.
Comment: The PGM1 c.125G>C variant is predicted to result in the amino acid substitution p.Ser42Thr. To our knowledge, this variant has not been reported in the literature. This variant is reported in 0.0027% of alleles in individuals of European (Non-Finnish) descent in gnomAD. At this time, the clinical significance of this variant is uncertain due to the absence of conclusive functional and genetic evidence.